The following is an entry in ClinVar:

ClinVar aggregate classification (germline): Uncertain significance (1 of 4 stars; one submission).

Allele frequency attached by ClinVar (database versions not stated): ExAC 0.00001; gnomAD 0.00001; gnomAD exomes 0.00001; TOPMed 0.00001.
gnomAD v4.1: 18 of 1,613,972 alleles (0.0011%); highest among the groups gnomAD compares: Non-Finnish European, 0.0014%; no homozygotes.

Submission:

Labcorp Genetics (formerly Invitae), Labcorp
Classification: Uncertain significance. Last evaluated: 2025-12-21. Review status: criteria provided, single submitter. Criteria: Invitae Variant Classification Sherloc (09022015). Collection method: clinical testing. Allele origin: germline.
Comment: This sequence change replaces serine, which is neutral and polar, with isoleucine, which is neutral and non-polar, at codon 3056 of the KMT2A protein (p.Ser3056Ile). This variant is present in population databases (rs781784128, gnomAD 0.004%). This variant has not been reported in the literature in individuals affected with KMT2A-related conditions. ClinVar contains an entry for this variant (Variation ID: 1506996). Invitae Evidence Modeling of protein sequence and biophysical properties (such as structural, functional, and spatial information, amino acid conservation, physicochemical variation, residue mobility, and thermodynamic stability) has been performed for this missense variant. However, the output from this modeling did not meet the statistical confidence thresholds required to predict the impact of this variant on KMT2A protein function. In summary, the available evidence is currently insufficient to determine the role of this variant in disease. Therefore, it has been classified as a Variant of Uncertain Significance.

NM_001197104.2(KMT2A):c.9167G>T (p.Ser3056Ile)

Gene: KMT2A (lysine methyltransferase 2A; plus strand). Cytogenetic location: 11q23.3.
Variant type: single nucleotide variant.
Coding change: c.9167G>T on transcript NM_001197104.2 (MANE Select); coding-DNA position 9167, G replaced by T.
Protein change: p.Ser3056Ile; replaces serine 3056 with isoleucine.
Molecular consequence: missense variant.
Genome position (GRCh38, 1-based): chr11:118,505,059, G>T. VCF-style: chr11-118505059-G-T. GRCh37 (hg19) VCF-style: chr11-118375774-G-T.
Other names: c.9158G>T, p.Ser3053Ile (NM_005933.4); short protein forms S3053I, S3056I.
Identifiers: ClinVar variation 1506996 (VCV001506996.6), dbSNP rs781784128, ClinGen allele CA6304560.
Genomic context (GRCh38, chr11:118,505,059, plus strand): 5'-TACCTGTTTCCCCAACTGTTCCCATCCAGAACCAGAAGTATGTGCCCAATTCTACTGATA[G>T]TCCTGGCCCGTCTCAGATTTCCAATGCAGCTGTCCAGACCACTCCACCCCACCTGAAGCC-3'
Protein context (NP_001184033.1, residues 3046-3066): NQKYVPNSTD[Ser3056Ile]PGPSQISNAA